The following is an entry in ClinVar:

NM_001320.7(CSNK2B):c.146C>A (p.Ala49Asp)

Gene: CSNK2B (casein kinase 2 beta; plus strand). Cytogenetic location: 6p21.33.
Variant type: single nucleotide variant.
Coding change: c.146C>A on transcript NM_001320.7 (MANE Select); coding-DNA position 146, C replaced by A.
Protein change: p.Ala49Asp; replaces alanine 49 with aspartic acid.
Molecular consequence: missense variant.
Genome position (GRCh38, 1-based): chr6:31,667,941, C>A. VCF-style: chr6-31667941-C-A. GRCh37 (hg19) VCF-style: chr6-31635718-C-A.
Other names: c.146C>A, p.Ala49Asp (NM_001282385.2); short protein forms A49D.
Identifiers: ClinVar variation 1331595 (VCV001331595.4), dbSNP rs2151185508, ClinGen allele CA363472262.

ClinVar aggregate classification (germline): Uncertain significance (1 of 4 stars; one submission).

Submission:

Greenwood Genetic Center Diagnostic Laboratories, Greenwood Genetic Center
Classification: Uncertain significance. Last evaluated: 2021-02-26. Review status: criteria provided, single submitter. Criteria: ACMG Guidelines, 2015. Collection method: clinical testing. Allele origin: germline. Affected: yes.
Comment: PM2